The following is an entry in ClinVar:

NM_133433.4(NIPBL):c.4876A>G (p.Thr1626Ala)

Gene: NIPBL (NIPBL cohesin loading factor; plus strand). Cytogenetic location: 5p13.2.
Variant type: single nucleotide variant.
Coding change: c.4876A>G on transcript NM_133433.4 (MANE Select); coding-DNA position 4876, A replaced by G.
Protein change: p.Thr1626Ala; replaces threonine 1626 with alanine.
Molecular consequence: missense variant.
Genome position (GRCh38, 1-based): chr5:37,017,118, A>G. VCF-style: chr5-37017118-A-G. GRCh37 (hg19) VCF-style: chr5-37017220-A-G.
Other names: c.4876A>G, p.Thr1626Ala (NM_015384.5); short protein forms T1626A.
Identifiers: ClinVar variation 3635351 (VCV003635351.2).

ClinVar aggregate classification (germline): Uncertain significance (1 of 4 stars; one submission).

Conditions:
Cornelia de Lange syndrome 1 (CDLS1). Also called: Brachmann de Lange syndrome; NIPBL-Related Cornelia de Lange Syndrome; TYPUS DEGENERATIVUS AMSTELODAMENSIS. Identifiers: Orphanet 199, MedGen C4551851, MONDO:0007387, OMIM 122470.

gnomAD v4.1: 2 of 1,612,946 alleles (0.00012%); highest among the groups gnomAD compares: Non-Finnish European, 0.00017%; 1 homozygote.

Submission:

Labcorp Genetics (formerly Invitae), Labcorp
Classification: Uncertain significance for Cornelia de Lange syndrome 1. Last evaluated: 2024-06-22. Review status: criteria provided, single submitter. Criteria: Invitae Variant Classification Sherloc (09022015). Collection method: clinical testing. Allele origin: germline.
Comment: This sequence change replaces threonine, which is neutral and polar, with alanine, which is neutral and non-polar, at codon 1626 of the NIPBL protein (p.Thr1626Ala). This variant is not present in population databases (gnomAD no frequency). This variant has not been reported in the literature in individuals affected with NIPBL-related conditions. Advanced modeling of protein sequence and biophysical properties (such as structural, functional, and spatial information, amino acid conservation, physicochemical variation, residue mobility, and thermodynamic stability) has been performed at Invitae for this missense variant, however the output from this modeling did not meet the statistical confidence thresholds required to predict the impact of this variant on NIPBL protein function. In summary, the available evidence is currently insufficient to determine the role of this variant in disease. Therefore, it has been classified as a Variant of Uncertain Significance.